The following is an entry in ClinVar:

ClinVar aggregate classification (germline): Likely benign (1 of 4 stars; one submission).

Submission:

CeGaT Center for Human Genetics Tuebingen
Classification: Likely benign. Last evaluated: 2025-01-01. Review status: criteria provided, single submitter. Criteria: CeGaT Center For Human Genetics Tuebingen Variant Classification Criteria Version 2. Collection method: clinical testing. Allele origin: germline. Affected: yes. Observed: 1 variant allele.
Comment: CDX4: PM2:Supporting, BP4, BP7

NM_005193.2(CDX4):c.501G>C (p.Thr167=)

Gene: CDX4 (caudal type homeobox 4; plus strand). Cytogenetic location: Xq13.2.
Variant type: single nucleotide variant.
Coding change: c.501G>C on transcript NM_005193.2 (MANE Select); coding-DNA position 501, G replaced by C.
Protein change: p.Thr167=; no amino-acid change (threonine 167 retained).
Molecular consequence: synonymous variant.
Genome position (GRCh38, 1-based): chrX:73,447,754, G>C. VCF-style: chrX-73447754-G-C. GRCh37 (hg19) VCF-style: chrX-72667590-G-C.
Identifiers: ClinVar variation 3772274 (VCV003772274.13).
Genomic context (GRCh38, chrX:73,447,754, plus strand): 5'-TTCCCCCAGCAGGAGCCGCCACAGCCCCTATGCATGGATGCGCAAGACGGTGCAGGTGAC[G>C]GGTGAGTAATCAATTCCAATGCCCACACACTTTTCCTTCCTTCCCTTCTCCGCTACTTCT-3'
Protein context (NP_005184.1, residues 157-177): YAWMRKTVQV[Thr167=]GKTRTKEKYR